The following is an entry in ClinVar:

ClinVar aggregate classification (germline): Pathogenic. Review status: criteria provided, multiple submitters, no conflicts (2 of 4 stars). 2 submissions from 2 submitters: Pathogenic (2). Last evaluated 2024-02-17.

Conditions:
Hereditary cancer-predisposing syndrome. Also called: Hereditary Cancer Syndrome; Tumor predisposition; Neoplastic Syndromes, Hereditary; Hereditary neoplastic syndrome. Identifiers: Orphanet 140162, MedGen C0027672, MeSH D009386, MONDO:0015356.
Hereditary breast ovarian cancer syndrome. Also called: Hereditary breast and ovarian cancer syndrome; Hereditary breast and/or ovarian cancer syndrome; Hereditary breast and ovarian cancer syndrome (HBOC); Breast and ovarian cancer; Hereditary breast and ovarian cancer; BRCA1- and BRCA2-Associated Hereditary Breast and Ovarian Cancer. Identifiers: Orphanet 145, MedGen C0677776, MeSH D061325, MONDO:0003582. Disease mechanism: loss of function.

Submissions (2):

Labcorp Genetics (formerly Invitae), Labcorp
Classification: Pathogenic for Hereditary breast ovarian cancer syndrome. Last evaluated: 2024-02-17. Review status: criteria provided, single submitter. Criteria: Invitae Variant Classification Sherloc (09022015). Collection method: clinical testing. Allele origin: germline.
Comment: This sequence change creates a premature translational stop signal (p.Tyr1569*) in the BRCA2 gene. It is expected to result in an absent or disrupted protein product. Loss-of-function variants in BRCA2 are known to be pathogenic (PMID: 20104584). This variant is not present in population databases (gnomAD no frequency). This variant has not been reported in the literature in individuals affected with BRCA2-related conditions. ClinVar contains an entry for this variant (Variation ID: 864101). For these reasons, this variant has been classified as Pathogenic.

Ambry Genetics
Classification: Pathogenic for Hereditary cancer-predisposing syndrome. Last evaluated: 2016-03-17. Review status: criteria provided, single submitter. Criteria: Ambry Variant Classification Scheme 2023. Collection method: clinical testing. Allele origin: germline.
Comment: The p.Y1569* pathogenic mutation (also known as c.4707C>G), located in coding exon 10 of the BRCA2 gene, results from a C to G substitution at nucleotide position 4707. This changes the amino acid from a tyrosine to a stop codon within coding exon 10. Since premature stop codons are typically deleterious in nature, this alteration is interpreted as a disease-causing mutation (ACMG Recommendations for Standards for Interpretation and Reporting of Sequence Variations. Revision 2007. Genet Med. 2008;10:294).

Literature cited by the submitters: PubMed 20104584 (cited by Labcorp Genetics (formerly Invitae), Labcorp).

NM_000059.4(BRCA2):c.4707C>G (p.Tyr1569Ter)

Gene: BRCA2 (BRCA2 DNA repair associated; plus strand). Cytogenetic location: 13q13.1.
Variant type: single nucleotide variant.
Coding change: c.4707C>G on transcript NM_000059.4 (MANE Select); coding-DNA position 4707, C replaced by G.
Protein change: p.Tyr1569Ter; replaces tyrosine 1569 with a stop codon.
Molecular consequence: nonsense.
Genome position (GRCh38, 1-based): chr13:32,339,062, C>G. VCF-style: chr13-32339062-C-G. GRCh37 (hg19) VCF-style: chr13-32913199-C-G.
Other names: short protein forms Y1569*.
Identifiers: ClinVar variation 864101 (VCV000864101.15), dbSNP rs878853585, ClinGen allele CA387782921.